The following is an entry in ClinVar:

NM_012254.3(SLC27A5):c.824C>G (p.Pro275Arg)

Gene: SLC27A5 (solute carrier family 27 member 5; minus strand). Cytogenetic location: 19q13.43.
Variant type: single nucleotide variant.
Coding change: c.824C>G on transcript NM_012254.3 (MANE Select); coding-DNA position 824, C replaced by G.
Protein change: p.Pro275Arg; replaces proline 275 with arginine.
Molecular consequence: missense variant.
Genome position (GRCh38, 1-based): chr19:58,510,795, G>C on the plus strand (C>G on the coding strand, the complement: SLC27A5 is on the minus strand). VCF-style: chr19-58510795-G-C. GRCh37 (hg19) VCF-style: chr19-59022162-G-C.
Other names: c.572C>G, p.Pro191Arg (NM_001321196.2); short protein forms P275R, P191R.
Identifiers: ClinVar variation 2978790 (VCV002978790.3), dbSNP rs752630055, ClinGen allele CA9718195.
Genomic context (GRCh38, chr19:58,510,795, plus strand): 5'-GTATAGATGAAGAGGGCAGGGCTTCTCCATGTGATCCCAGCACGCAGGTCAGCAGGCACT[G>C]GGTGGGAGGGCGCTGCATCCAGGGCAGCCCCCAGAGCCCCCACCCCTGGTGTAGGGGAGG-3'
Protein context (NP_036386.1, residues 265-285): GAALDAAPSH[Pro275Arg]VPADLRAGIT

ClinVar aggregate classification (germline): Uncertain significance (1 of 4 stars; one submission).

Allele frequency attached by ClinVar (database versions not stated): TOPMed below 0.00001; ExAC 0.00002; gnomAD exomes 0.00003.

Submission:

Labcorp Genetics (formerly Invitae), Labcorp
Classification: Uncertain significance. Last evaluated: 2024-10-16. Review status: criteria provided, single submitter. Criteria: Invitae Variant Classification Sherloc (09022015). Collection method: clinical testing. Allele origin: germline.
Comment: This sequence change replaces proline, which is neutral and non-polar, with arginine, which is basic and polar, at codon 275 of the SLC27A5 protein (p.Pro275Arg). This variant is present in population databases (rs752630055, gnomAD 0.002%). This variant has not been reported in the literature in individuals affected with SLC27A5-related conditions. An algorithm developed to predict the effect of missense changes on protein structure and function (PolyPhen-2) suggests that this variant is likely to be disruptive. In summary, the available evidence is currently insufficient to determine the role of this variant in disease. Therefore, it has been classified as a Variant of Uncertain Significance.